The following is an entry in ClinVar:

ClinVar aggregate classification (germline): Uncertain significance (1 of 4 stars; one submission).

Conditions:
Werner syndrome (WRN). Identifiers: Orphanet 902, MedGen C0043119, MONDO:0010196, OMIM 277700.

Submission:

Labcorp Genetics (formerly Invitae), Labcorp
Classification: Uncertain significance for Werner syndrome. Last evaluated: 2023-07-08. Review status: criteria provided, single submitter. Criteria: Invitae Variant Classification Sherloc (09022015). Collection method: clinical testing. Allele origin: germline.
Comment: This variant has not been reported in the literature in individuals affected with WRN-related conditions. In summary, the available evidence is currently insufficient to determine the role of this variant in disease. Therefore, it has been classified as a Variant of Uncertain Significance. Algorithms developed to predict the effect of missense changes on protein structure and function output the following: SIFT: "Not Available"; PolyPhen-2: "Benign"; Align-GVGD: "Not Available". The aspartic acid amino acid residue is found in multiple mammalian species, which suggests that this missense change does not adversely affect protein function. ClinVar contains an entry for this variant (Variation ID: 2165802). This variant is not present in population databases (gnomAD no frequency). This sequence change replaces asparagine, which is neutral and polar, with aspartic acid, which is acidic and polar, at codon 386 of the WRN protein (p.Asn386Asp).

NM_000553.6(WRN):c.1156A>G (p.Asn386Asp)

Gene: WRN (WRN RecQ like helicase; plus strand). Cytogenetic location: 8p12.
Variant type: single nucleotide variant.
Coding change: c.1156A>G on transcript NM_000553.6 (MANE Select); coding-DNA position 1156, A replaced by G.
Protein change: p.Asn386Asp; replaces asparagine 386 with aspartic acid.
Molecular consequence: missense variant.
Genome position (GRCh38, 1-based): chr8:31,081,183, A>G. VCF-style: chr8-31081183-A-G. GRCh37 (hg19) VCF-style: chr8-30938699-A-G.
Other names: short protein forms N386D.
Identifiers: ClinVar variation 2165802 (VCV002165802.4), dbSNP rs2130120492, ClinGen allele CA370921007.
Genomic context (GRCh38, chr8:31,081,183, plus strand): 5'-AAAGTGGAACGAAAAGAAGATGGATTTGAAGATGGAGTAGAAGACAACAAATTGAAAGAG[A>G]ATATGGAAAGAGCTTGTTTGATGTCGTTAGATATTACAGAACATGAACTCCAAATTTTGG-3'
Protein context (NP_000544.2, residues 376-396): DGVEDNKLKE[Asn386Asp]MERACLMSLD